The following is an entry in ClinVar:

ClinVar aggregate classification (germline): Conflicting classifications of pathogenicity. Review status: criteria provided, conflicting classifications (1 of 4 stars). 3 submissions from 3 submitters: Uncertain significance (1); Likely benign (1). 1 of the submissions does not count toward it. Last evaluated 2023-10-16.

Conditions:
Usher syndrome type 1B (USH1B). Also called: Usher syndrome type IB. Identifiers: MedGen C1848638, MONDO:0700087.

Allele frequency attached by ClinVar (database versions not stated): gnomAD 0.00001; gnomAD exomes 0.00001 and 0.00002; TOPMed 0.00001.
gnomAD v4.1: 28 of 1,542,042 alleles (0.0018%); highest among the groups gnomAD compares: Non-Finnish European, 0.0024%; no homozygotes.

Submissions (3):

Labcorp Genetics (formerly Invitae), Labcorp
Classification: Likely benign. Last evaluated: 2023-10-16. Review status: criteria provided, single submitter. Criteria: Invitae Variant Classification Sherloc (09022015). Collection method: clinical testing. Allele origin: germline.

GeneDx
Classification: Uncertain significance. Last evaluated: 2021-12-10. Review status: criteria provided, single submitter. Criteria: GeneDx Variant Classification Process June 2021. Collection method: clinical testing. Allele origin: germline. Affected: yes.
Comment: Not observed at significant frequency in large population cohorts (Lek et al., 2016); In silico analysis supports a deleterious effect on splicing; Has not been previously published as pathogenic or benign to our knowledge

Natera, Inc.
Classification: Uncertain significance for Usher syndrome type 1B. Last evaluated: 2020-01-24. Review status: no assertion criteria provided. Collection method: clinical testing. Allele origin: germline. Not counted in ClinVar's aggregate classification.

NM_000260.4(MYO7A):c.2487G>A (p.Val829=)

Gene: MYO7A (myosin VIIA; plus strand). Cytogenetic location: 11q13.5.
Variant type: single nucleotide variant.
Coding change: c.2487G>A on transcript NM_000260.4 (MANE Select); coding-DNA position 2487, G replaced by A.
Protein change: p.Val829=; no amino-acid change (valine 829 retained).
Molecular consequence: synonymous variant.
Genome position (GRCh38, 1-based): chr11:77,179,854, G>A. VCF-style: chr11-77179854-G-A. GRCh37 (hg19) VCF-style: chr11-76890900-G-A.
Other names: c.2487G>A, p.Val829= (NM_001127180.2); c.2454G>A, p.Val818= (NM_001369365.1).
Identifiers: ClinVar variation 1215878 (VCV001215878.14), dbSNP rs1452906057, ClinGen allele CA475794997.